The following is an entry in ClinVar:

ClinVar aggregate classification (germline): Uncertain significance (1 of 4 stars; one submission).

Conditions:
Lymphatic malformation 6 (LMPHM6). Also called: GENERALIZED LYMPHATIC DYSPLASIA OF FOTIOU; Lymphedema, hereditary, III; PIEZO1-related generalized lymphatic dysplasia with non-immune hydrops fetalis. Identifiers: Orphanet 568062, MedGen C4225184, MONDO:0014797, OMIM 616843.

gnomAD v4.1: 7 of 1,500,938 alleles (0.00047%); highest among the groups gnomAD compares: African/African-American, 0.0029%; no homozygotes.

Submission:

Clinical Genomics Laboratory, Washington University in St. Louis
Classification: Uncertain significance for Lymphatic malformation 6. Last evaluated: 2025-10-26. Review status: criteria provided, single submitter. Criteria: ACMG Guidelines, 2015. Collection method: clinical testing. Allele origin: germline.
Comment: A PIEZO1 c.4188C>T (p.Ser1396=) variant was identified at a near heterozygous allelic fraction of 44.8%, a frequency which may be consistent with it being of germline origin. This variant, to our knowledge, has not been reported in the medical literature or the ClinVar database. This variant is only observed in 7/1,500,938 alleles in the general population (gnomAD v4.1.0), indicating it is not a common variant. Computational predictors suggest that the variant does not impact PIEZO1 function. Due to limited information, and based on ACMG/AMP guidelines for variant interpretation (Richards S et al., PMID: 25741868), the clinical significance of this variant is uncertain at this time.

NM_001142864.4(PIEZO1):c.4188C>T (p.Ser1396=)

Gene: PIEZO1 (piezo type mechanosensitive ion channel component 1 (Er blood group); minus strand). Cytogenetic location: 16q24.3.
Variant type: single nucleotide variant.
Coding change: c.4188C>T on transcript NM_001142864.4 (MANE Select); coding-DNA position 4188, C replaced by T.
Protein change: p.Ser1396=; no amino-acid change (serine 1396 retained).
Molecular consequence: synonymous variant.
Genome position (GRCh38, 1-based): chr16:88,725,055, G>A on the plus strand (C>T on the coding strand, the complement: PIEZO1 is on the minus strand). VCF-style: chr16-88725055-G-A. GRCh37 (hg19) VCF-style: chr16-88791463-G-A.
Identifiers: ClinVar variation 4974670 (VCV004974670.1).